The following is an entry in ClinVar:

NM_004991.4(MECOM):c.1369G>A (p.Val457Ile)

Gene: MECOM (MDS1 and EVI1 complex locus; minus strand). Cytogenetic location: 3q26.2.
Variant type: single nucleotide variant.
Coding change: c.1369G>A on transcript NM_004991.4 (MANE Select); coding-DNA position 1369, G replaced by A.
Protein change: p.Val457Ile; replaces valine 457 with isoleucine.
Molecular consequence: missense variant. On other transcripts: intron variant (2).
Genome position (GRCh38, 1-based): chr3:169,116,503, C>T on the plus strand (G>A on the coding strand, the complement: MECOM is on the minus strand). VCF-style: chr3-169116503-C-T. GRCh37 (hg19) VCF-style: chr3-168834291-C-T.
Other names: c.1000G>A, p.Val334Ile (NM_001105077.4); c.805G>A, p.Val269Ile (NM_001105078.4, NM_001164000.2, NM_001205194.2 and 4 more transcripts); c.808G>A, p.Val270Ile (NM_001163999.2, NM_001366467.2, NM_001366468.2 and 1 more transcripts); c.1369G>A, p.Val457Ile (NM_001366466.2); c.1133-736G>A (NM_001366473.2); c.569-736G>A (NM_001366474.2); short protein forms V270I, V334I, V269I, V457I.
Identifiers: ClinVar variation 5024171 (VCV005024171.1).

ClinVar aggregate classification (germline): Uncertain significance (1 of 4 stars; one submission).

Conditions:
Inborn genetic diseases. Identifiers: MedGen C0950123, MeSH D030342.

Submission:

Ambry Genetics
Classification: Uncertain significance for Inborn genetic diseases. Last evaluated: 2026-08-04. Review status: criteria provided, single submitter. Criteria: Ambry Variant Classification Scheme 2023. Collection method: clinical testing. Allele origin: germline.
Comment: The p.V457I variant (also known as c.1369G>A), located in coding exon 8 of the MECOM gene, results from a G to A substitution at nucleotide position 1369. The valine at codon 457 is replaced by isoleucine, an amino acid with highly similar properties. This amino acid position is conserved. In addition, this alteration is predicted to be tolerated by in silico analysis. Based on the available evidence, the clinical significance of this variant remains unclear.